The following is an entry in ClinVar:

ClinVar aggregate classification (germline): Uncertain significance (1 of 4 stars; one submission).

Conditions:
Familial thoracic aortic aneurysm and aortic dissection (TAAD). Also called: Thoracic aortic aneurysms and dissections. Identifiers: Orphanet 91387, MedGen C4707243, MONDO:0019625.

Submission:

Ambry Genetics
Classification: Uncertain significance for Familial thoracic aortic aneurysm and aortic dissection. Last evaluated: 2026-05-21. Review status: criteria provided, single submitter. Criteria: Ambry Variant Classification Scheme 2023. Collection method: clinical testing. Allele origin: germline.
Comment: The p.D778E variant (also known as c.2334C>A), located in coding exon 34 of the COL5A2 gene, results from a C to A substitution at nucleotide position 2334. The aspartic acid at codon 778 is replaced by glutamic acid, an amino acid with highly similar properties. This amino acid position is conserved. In addition, this alteration is predicted to be tolerated by in silico analysis. Based on the available evidence, the clinical significance of this variant remains unclear.

NM_000393.5(COL5A2):c.2334C>A (p.Asp778Glu)

Gene: COL5A2 (collagen type V alpha 2 chain; minus strand). Cytogenetic location: 2q32.2.
Variant type: single nucleotide variant.
Coding change: c.2334C>A on transcript NM_000393.5 (MANE Select); coding-DNA position 2334, C replaced by A.
Protein change: p.Asp778Glu; replaces aspartic acid 778 with glutamic acid.
Molecular consequence: missense variant.
Genome position (GRCh38, 1-based): chr2:189,057,323, G>T on the plus strand (C>A on the coding strand, the complement: COL5A2 is on the minus strand). VCF-style: chr2-189057323-G-T. GRCh37 (hg19) VCF-style: chr2-189922049-G-T.
Other names: short protein forms D778E.
Identifiers: ClinVar variation 4869272 (VCV004869272.1).